The following is an entry in ClinVar:

ClinVar aggregate classification (germline): Uncertain significance (1 of 4 stars; one submission).

Conditions:
Deficiency of alpha-mannosidase (MANSA). Also called: Mannosidosis, alpha-, types I and II; LYSOSOMAL ALPHA-D-MANNOSIDASE DEFICIENCY; Alpha-Mannosidosis. Identifiers: Orphanet 61, MedGen C0024748, MONDO:0009561, OMIM 248500.

Allele frequency attached by ClinVar (database versions not stated): gnomAD 0.00001; gnomAD exomes 0.00001; TOPMed 0.00001.
gnomAD v4.1: 11 of 1,613,490 alleles (0.00068%); highest among the groups gnomAD compares: Admixed American, 0.017%; no homozygotes.

Submission:

Labcorp Genetics (formerly Invitae), Labcorp
Classification: Uncertain significance for Deficiency of alpha-mannosidase. Last evaluated: 2022-08-02. Review status: criteria provided, single submitter. Criteria: Invitae Variant Classification Sherloc (09022015). Collection method: clinical testing. Allele origin: germline.
Comment: This sequence change replaces serine, which is neutral and polar, with proline, which is neutral and non-polar, at codon 834 of the MAN2B1 protein (p.Ser834Pro). This variant is not present in population databases (gnomAD no frequency). This variant has not been reported in the literature in individuals affected with MAN2B1-related conditions. Algorithms developed to predict the effect of missense changes on protein structure and function output the following: SIFT: "Tolerated"; PolyPhen-2: "Benign"; Align-GVGD: "Class C0". The proline amino acid residue is found in multiple mammalian species, which suggests that this missense change does not adversely affect protein function. In summary, the available evidence is currently insufficient to determine the role of this variant in disease. Therefore, it has been classified as a Variant of Uncertain Significance.

NM_000528.4(MAN2B1):c.2500T>C (p.Ser834Pro)

Gene: MAN2B1 (mannosidase alpha class 2B member 1; minus strand). Cytogenetic location: 19p13.13.
Variant type: single nucleotide variant.
Coding change: c.2500T>C on transcript NM_000528.4 (MANE Select); coding-DNA position 2500, T replaced by C.
Protein change: p.Ser834Pro; replaces serine 834 with proline.
Molecular consequence: missense variant.
Genome position (GRCh38, 1-based): chr19:12,648,339, A>G on the plus strand (T>C on the coding strand, the complement: MAN2B1 is on the minus strand). VCF-style: chr19-12648339-A-G. GRCh37 (hg19) VCF-style: chr19-12759153-A-G.
Other names: c.2497T>C, p.Ser833Pro (NM_001173498.2); short protein forms S833P, S834P.
Identifiers: ClinVar variation 2064016 (VCV002064016.1), dbSNP rs1046850193, ClinGen allele CA305461220.
Genomic context (GRCh38, chr19:12,648,339, plus strand): 5'-CGGCTGCAGCCTGGGCTGTGTCCAGCAGCACCAGGTGGCGCCCTCGCACCCACGCCCCCG[A>G]CCCGTTCTCCATTAGTGGCTCCGATACTCCGCGTCCATCGTCCTTCAGCAGCCTTCGGTG-3'
Protein context (NP_000519.2, residues 824-844): GVSEPLMENG[Ser834Pro]GAWVRGRHLV